The following is an entry in ClinVar:

NM_001370298.3(FGD4):c.378C>A (p.Pro126=)

Gene: FGD4 (FYVE, RhoGEF and PH domain containing 4; plus strand). Cytogenetic location: 12p11.21.
Variant type: single nucleotide variant.
Coding change: c.378C>A on transcript NM_001370298.3 (MANE Select); coding-DNA position 378, C replaced by A.
Protein change: p.Pro126=; no amino-acid change (proline 126 retained).
Molecular consequence: synonymous variant. On other transcripts: 5 prime UTR variant (8), intron variant (4).
Genome position (GRCh38, 1-based): chr12:32,576,324, C>A. VCF-style: chr12-32576324-C-A. GRCh37 (hg19) VCF-style: chr12-32729258-C-A.
Other names: c.222C>A, p.Pro74= (NM_001304481.2); c.-878C>A (NM_001304483.2); c.-1185C>A (NM_001304484.2); c.378C>A, p.Pro126= (NM_001384126.1); c.-34C>A (NM_001384127.1, NM_001384128.1, NM_001384131.1 and 3 more transcripts); c.-187-5636C>A (NM_001330374.2, NM_001330373.2, NM_001384130.1); c.48+12035C>A (NM_001370297.1).
Identifiers: ClinVar variation 681514 (VCV000681514.1), dbSNP rs1465471003, ClinGen allele CA604481880.

ClinVar aggregate classification (germline): Likely benign (1 of 4 stars; one submission).

Allele frequency attached by ClinVar (database versions not stated): gnomAD exomes below 0.00001; gnomAD 0.00002; TOPMed 0.00002.
gnomAD v4.1: 7 of 1,613,812 alleles (0.00043%); highest among the groups gnomAD compares: African/African-American, 0.0027%; no homozygotes.

Submission:

GeneDx
Classification: Likely benign. Last evaluated: 2018-04-06. Review status: criteria provided, single submitter. Criteria: GeneDx Variant Classification (06012015). Collection method: clinical testing. Allele origin: germline. Affected: yes.
Comment: This variant is considered likely benign or benign based on one or more of the following criteria: it is a conservative change, it occurs at a poorly conserved position in the protein, it is predicted to be benign by multiple in silico algorithms, and/or has population frequency not consistent with disease.